The following is an entry in ClinVar:

NM_005144.5(HR):c.2993G>A (p.Arg998Gln)

Gene: HR (HR lysine demethylase and nuclear receptor corepressor; minus strand). Cytogenetic location: 8p21.3.
Variant type: single nucleotide variant.
Coding change: c.2993G>A on transcript NM_005144.5 (MANE Select); coding-DNA position 2993, G replaced by A.
Protein change: p.Arg998Gln; replaces arginine 998 with glutamine.
Molecular consequence: missense variant.
Genome position (GRCh38, 1-based): chr8:22,119,268, C>T on the plus strand (G>A on the coding strand, the complement: HR is on the minus strand). VCF-style: chr8-22119268-C-T. GRCh37 (hg19) VCF-style: chr8-21976781-C-T.
Other names: c.2993G>A, p.Arg998Gln (NM_018411.4); short protein forms R998Q.
Identifiers: ClinVar variation 909871 (VCV000909871.8), dbSNP rs138875411, ClinGen allele CA4661926.

ClinVar aggregate classification (germline): Uncertain significance. Review status: criteria provided, multiple submitters, no conflicts (2 of 4 stars). 3 submissions from 2 submitters: Uncertain significance (3). Last evaluated 2024-05-02.

Conditions:
Atrichia with papular lesions (APL). Also called: PAPULAR ATRICHIA. Identifiers: Orphanet 86819, MedGen C1859592, MONDO:0008847, OMIM 209500.
Alopecia universalis congenita (ALUNC). Also called: ATRICHIA, GENERALIZED. Identifiers: Orphanet 701, MedGen C1859877, MONDO:0008757, OMIM 203655.

Allele frequency attached by ClinVar (database versions not stated): ESP Exome Variant Server 0.00008; gnomAD 0.00014 and 0.00015; TOPMed 0.00015; 1000 Genomes Project 30x 0.00016; 1000 Genomes Project 0.00020; gnomAD exomes 0.00021.
gnomAD v4.1: 330 of 1,613,640 alleles (0.02%); highest among the groups gnomAD compares: Middle Eastern, 0.033%; no homozygotes.

Submissions (3):

Labcorp Genetics (formerly Invitae), Labcorp
Classification: Uncertain significance. Last evaluated: 2024-05-02. Review status: criteria provided, single submitter. Criteria: Invitae Variant Classification Sherloc (09022015). Collection method: clinical testing. Allele origin: germline.
Comment: This sequence change replaces arginine, which is basic and polar, with glutamine, which is neutral and polar, at codon 998 of the HR protein (p.Arg998Gln). This variant is present in population databases (rs138875411, gnomAD 0.02%). This variant has not been reported in the literature in individuals affected with HR-related conditions. ClinVar contains an entry for this variant (Variation ID: 909871). An algorithm developed to predict the effect of missense changes on protein structure and function (PolyPhen-2) suggests that this variant is likely to be disruptive. In summary, the available evidence is currently insufficient to determine the role of this variant in disease. Therefore, it has been classified as a Variant of Uncertain Significance.

Illumina Laboratory Services, Illumina
Classification: Uncertain significance for Atrichia with papular lesions. Last evaluated: 2017-04-28. Review status: criteria provided, single submitter. Criteria: ICSL Variant Classification Criteria 13 December 2019. Collection method: clinical testing. Allele origin: germline.

Illumina Laboratory Services, Illumina
Classification: Uncertain significance for Alopecia universalis congenita. Last evaluated: 2017-04-28. Review status: criteria provided, single submitter. Criteria: ICSL Variant Classification Criteria 13 December 2019. Collection method: clinical testing. Allele origin: germline.